The following is an entry in ClinVar:

ClinVar aggregate classification (germline): Pathogenic (1 of 4 stars; one submission).

Conditions:
Neurofibromatosis, type 1 (NF1). Also called: Peripheral type neurofibromatosis; VON RECKLINGHAUSEN DISEASE; NEUROFIBROMATOSIS, TYPE I, SOMATIC; Neurofibromatosis, type I. Identifiers: Orphanet 636, MedGen C0027831, MONDO:0018975, OMIM 162200. Disease mechanism: loss of function.

Submission:

Labcorp Genetics (formerly Invitae), Labcorp
Classification: Pathogenic for Neurofibromatosis, type 1. Last evaluated: 2022-07-09. Review status: criteria provided, single submitter. Criteria: Invitae Variant Classification Sherloc (09022015). Collection method: clinical testing. Allele origin: germline.
Comment: This sequence change creates a premature translational stop signal (p.Phe1477Leufs*2) in the NF1 gene. It is expected to result in an absent or disrupted protein product. Loss-of-function variants in NF1 are known to be pathogenic (PMID: 10712197, 23913538). This variant is not present in population databases (gnomAD no frequency). This premature translational stop signal has been observed in individual(s) with NF1 (PMID: 10712197). For these reasons, this variant has been classified as Pathogenic.

Literature cited by the submitters: PubMed 10712197; PubMed 23913538.

NM_001042492.3(NF1):c.4494del (p.Phe1498fs)

Gene: NF1 (neurofibromin 1; plus strand). Cytogenetic location: 17q11.2.
Variant type: Deletion.
Coding change: c.4494del on transcript NM_001042492.3 (MANE Select); coding-DNA position 4494, one base deleted (C; older notation c.4494delC).
Protein change: p.Phe1498fs; shifts the reading frame from phenylalanine 1498.
Molecular consequence: frameshift variant.
Genome position (GRCh38, 1-based): chr17:31,260,432, C deleted. VCF-style (leftmost placement, unchanged base first): chr17-31260431-TC-T. GRCh37 (hg19) VCF-style: chr17-29587449-TC-T.
Other names: c.4431delC, p.Phe1477Leufs (NM_000267.4); short protein forms F1498fs, F1477fs.
Identifiers: ClinVar variation 2137984 (VCV002137984.4), dbSNP rs2508421255, ClinGen allele CA2580093089.